The following is an entry in ClinVar:

ClinVar aggregate classification (germline): Uncertain significance (1 of 4 stars; one submission).

Conditions:
Baller-Gerold syndrome (BGS). Also called: CRANIOSYNOSTOSIS WITH RADIAL DEFECTS. Identifiers: Orphanet 1225, MedGen C0265308, MONDO:0009039, OMIM 218600.

Submission:

Labcorp Genetics (formerly Invitae), Labcorp
Classification: Uncertain significance for Baller-Gerold syndrome. Last evaluated: 2023-01-22. Review status: criteria provided, single submitter. Criteria: Invitae Variant Classification Sherloc (09022015). Collection method: clinical testing. Allele origin: germline.
Comment: In summary, the available evidence is currently insufficient to determine the role of this variant in disease. Therefore, it has been classified as a Variant of Uncertain Significance. Variants that disrupt the consensus splice site are a relatively common cause of aberrant splicing (PMID: 17576681, 9536098). Algorithms developed to predict the effect of sequence changes on RNA splicing suggest that this variant is not likely to affect RNA splicing. ClinVar contains an entry for this variant (Variation ID: 1377015). This variant has not been reported in the literature in individuals affected with RECQL4-related conditions. This variant is present in population databases (no rsID available, gnomAD 0.006%). This sequence change falls in intron 6 of the RECQL4 gene. It does not directly change the encoded amino acid sequence of the RECQL4 protein. It affects a nucleotide within the consensus splice site.

Literature cited by the submitters: PubMed 17576681; PubMed 9536098.

NM_004260.4(RECQL4):c.1258+6A>C

Gene: RECQL4 (RecQ like helicase 4; minus strand). Cytogenetic location: 8q24.3.
Variant type: single nucleotide variant.
Coding change: c.1258+6A>C on transcript NM_004260.4 (MANE Select); 6 bases into the intron after coding-DNA position 1258, A replaced by C.
Molecular consequence: intron variant.
Genome position (GRCh38, 1-based): chr8:144,515,758, T>G on the plus strand (A>C on the coding strand, the complement: RECQL4 is on the minus strand). VCF-style: chr8-144515758-T-G. GRCh37 (hg19) VCF-style: chr8-145741142-T-G.
Identifiers: ClinVar variation 1377015 (VCV001377015.6), dbSNP rs34437789, ClinGen allele CA586166027.